The following is an entry in ClinVar:

ClinVar aggregate classification (germline): Likely benign (0 of 4 stars; one submission).

Conditions:
TRPC5-related disorder. Also called: TRPC5-related condition.

Allele frequency attached by ClinVar (database versions not stated): 1000 Genomes Project 30x 0.00104; 1000 Genomes Project 0.00106; gnomAD exomes 0.00119; TOPMed 0.00294; ExAC 0.00133; ESP Exome Variant Server 0.00218; gnomAD 0.00236.
gnomAD v4.1: 1,643 of 1,210,100 alleles (0.14%); highest among the groups gnomAD compares: Middle Eastern, 0.6%; no homozygotes.

Submission:

PreventionGenetics, part of Exact Sciences
Classification: Likely benign for TRPC5-related condition. Last evaluated: 2019-09-19. Review status: no assertion criteria provided. Collection method: clinical testing. Allele origin: germline.
Comment: This variant is classified as likely benign based on ACMG/AMP sequence variant interpretation guidelines (Richards et al. 2015 PMID: 25741868, with internal and published modifications).

NM_012471.3(TRPC5):c.58C>T (p.Leu20=)

Gene: TRPC5 (transient receptor potential cation channel subfamily C member 5; minus strand). Cytogenetic location: Xq23.
Variant type: single nucleotide variant.
Coding change: c.58C>T on transcript NM_012471.3 (MANE Select); coding-DNA position 58, C replaced by T.
Protein change: p.Leu20=; no amino-acid change (leucine 20 retained).
Molecular consequence: synonymous variant.
Genome position (GRCh38, 1-based): chrX:111,952,363, G>A on the plus strand (C>T on the coding strand, the complement: TRPC5 is on the minus strand). VCF-style: chrX-111952363-G-A. GRCh37 (hg19) VCF-style: chrX-111195591-G-A.
Identifiers: ClinVar variation 3037643 (VCV003037643.2), dbSNP rs148777982, ClinGen allele CA10494456.